The following is an entry in ClinVar:

ClinVar aggregate classification (germline): Likely benign. Review status: criteria provided, multiple submitters, no conflicts (2 of 4 stars). 3 submissions from 3 submitters: Likely benign (3). Last evaluated 2024-11-27.

Conditions:
SETD1B-related disorder. Also called: SETD1B-related condition.

Allele frequency attached by ClinVar (database versions not stated): gnomAD exomes 0.00006; TOPMed 0.00046; 1000 Genomes Project 0.00100; 1000 Genomes Project 30x 0.00109.
gnomAD v4.1: 137 of 1,550,216 alleles (0.0088%); highest among the groups gnomAD compares: African/African-American, 0.11%; no homozygotes.

Submissions (3):

Blueprint Genetics
Classification: Likely benign. Last evaluated: 2024-11-27. Review status: criteria provided, single submitter. Criteria: ACMG Guidelines, 2015. Collection method: clinical testing. Allele origin: germline.

PreventionGenetics, part of Exact Sciences
Classification: Likely benign for SETD1B-related condition. Last evaluated: 2024-11-21. Review status: criteria provided, single submitter. Criteria: ACMG Guidelines, 2015. Collection method: clinical testing. Allele origin: germline.
Comment: This variant is classified as likely benign based on ACMG/AMP sequence variant interpretation guidelines (Richards et al. 2015 PMID: 25741868, with internal and published modifications).

CeGaT Center for Human Genetics Tuebingen
Classification: Likely benign. Last evaluated: 2023-01-01. Review status: criteria provided, single submitter. Criteria: CeGaT Center For Human Genetics Tuebingen Variant Classification Criteria Version 2. Collection method: clinical testing. Allele origin: germline. Affected: yes. Observed: 1 variant allele.
Comment: SETD1B: BP4, BP7

NM_001353345.2(SETD1B):c.1152C>T (p.Pro384=)

Gene: SETD1B (SET domain containing 1B, histone lysine methyltransferase; plus strand). Cytogenetic location: 12q24.31.
Variant type: single nucleotide variant.
Coding change: c.1152C>T on transcript NM_001353345.2 (MANE Select); coding-DNA position 1152, C replaced by T.
Protein change: p.Pro384=; no amino-acid change (proline 384 retained).
Molecular consequence: synonymous variant.
Genome position (GRCh38, 1-based): chr12:121,810,097, C>T. VCF-style: chr12-121810097-C-T. GRCh37 (hg19) VCF-style: chr12-122248003-C-T.
Other names: NM_015048.1:c.1152C>T.
Identifiers: ClinVar variation 2643427 (VCV002643427.26), dbSNP rs74465388, ClinGen allele CA6838838.